The following is an entry in ClinVar:

ClinVar aggregate classification (germline): Conflicting classifications of pathogenicity. Review status: criteria provided, conflicting classifications (1 of 4 stars). 3 submissions from 3 submitters: Pathogenic (1); Uncertain significance (2). Last evaluated 2020-08-08.

Allele frequency attached by ClinVar (database versions not stated): TOPMed 0.00001.
gnomAD v4.1: 1 of 1,524,934 alleles (0.000066%); highest among the groups gnomAD compares: Non-Finnish European, 0.000088%; no homozygotes.

Submissions (3):

Labcorp Genetics (formerly Invitae), Labcorp
Classification: Uncertain significance. Last evaluated: 2020-08-08. Review status: criteria provided, single submitter. Criteria: Invitae Variant Classification Sherloc (09022015). Collection method: clinical testing. Allele origin: germline.
Comment: In summary, the available evidence is currently insufficient to determine the role of this variant in disease. Therefore, it has been classified as a Variant of Uncertain Significance. Algorithms developed to predict the effect of sequence changes on RNA splicing suggest that this variant may create or strengthen a splice site, but this prediction has not been confirmed by published transcriptional studies. This variant has not been reported in the literature in individuals with RAX2-related conditions. ClinVar contains an entry for this variant (Variation ID: 96232). The frequency data for this variant in the population databases is considered unreliable, as metrics indicate insufficient coverage at this position in the ExAC database. This sequence change results in a premature translational stop signal in the RAX2 gene (p.Ser115*). While this is not anticipated to result in nonsense mediated decay, it is expected to disrupt the last 70 amino acids of the RAX2 protein.

Blueprint Genetics
Classification: Uncertain significance. Last evaluated: 2019-10-22. Review status: criteria provided, single submitter. Criteria: ACMG Guidelines, 2015. Collection method: clinical testing. Allele origin: germline.

Eurofins Ntd Llc (ga)
Classification: Pathogenic. Last evaluated: 2013-09-13. Review status: criteria provided, single submitter. Criteria: EGL Classification Definitions 2015. Collection method: clinical testing. Allele origin: germline. Observed: 1 variant allele, 1 heterozygote.

NM_001319074.4(RAX2):c.344C>A (p.Ser115Ter)

Gene: RAX2 (retina and anterior neural fold homeobox 2; minus strand). Cytogenetic location: 19p13.3.
Variant type: single nucleotide variant.
Coding change: c.344C>A on transcript NM_001319074.4 (MANE Select); coding-DNA position 344, C replaced by A.
Protein change: p.Ser115Ter; replaces serine 115 with a stop codon.
Molecular consequence: nonsense.
Genome position (GRCh38, 1-based): chr19:3,770,832, G>T on the plus strand (C>A on the coding strand, the complement: RAX2 is on the minus strand). VCF-style: chr19-3770832-G-T. GRCh37 (hg19) VCF-style: chr19-3770830-G-T.
Other names: c.344C>A, p.Ser115Ter (NM_032753.4); short protein forms S115*.
Identifiers: ClinVar variation 96232 (VCV000096232.14), dbSNP rs398124431, ClinGen allele CA149379.